The following is an entry in ClinVar:

NM_004360.5(CDH1):c.1208C>T (p.Ala403Val)

Gene: CDH1 (cadherin 1; plus strand). Cytogenetic location: 16q22.1.
Variant type: single nucleotide variant.
Coding change: c.1208C>T on transcript NM_004360.5 (MANE Select); coding-DNA position 1208, C replaced by T.
Protein change: p.Ala403Val; replaces alanine 403 with valine.
Molecular consequence: missense variant. On other transcripts: 5 prime UTR variant (2), intron variant (1).
Genome position (GRCh38, 1-based): chr16:68,813,383, C>T. VCF-style: chr16-68813383-C-T. GRCh37 (hg19) VCF-style: chr16-68847286-C-T.
Other names: c.-408C>T (NM_001317185.2); c.-612C>T (NM_001317186.2); c.1137+1120C>T (NM_001317184.2); short protein forms A403V.
Identifiers: ClinVar variation 999877 (VCV000999877.9), dbSNP rs1960893696, ClinGen allele CA396461309.

ClinVar aggregate classification (germline): Uncertain significance (1 of 4 stars; one submission).

Conditions:
Hereditary diffuse gastric adenocarcinoma (HDGC). Also called: DIFFUSE GASTRIC AND LOBULAR BREAST CANCER SYNDROME. Identifiers: Orphanet 26106, MedGen C1708349, MONDO:0007648, OMIM 137215.

Allele frequency attached by ClinVar (database versions not stated): gnomAD exomes below 0.00001.
gnomAD v4.1: 1 of 1,614,080 alleles (0.000062%); highest among the groups gnomAD compares: Non-Finnish European, 0.000085%; no homozygotes.

Submission:

Labcorp Genetics (formerly Invitae), Labcorp
Classification: Uncertain significance for Hereditary diffuse gastric adenocarcinoma. Last evaluated: 2020-12-15. Review status: criteria provided, single submitter. Criteria: Invitae Variant Classification Sherloc (09022015). Collection method: clinical testing. Allele origin: germline.
Comment: This variant has not been reported in the literature in individuals with CDH1-related conditions. This sequence change replaces alanine with valine at codon 403 of the CDH1 protein (p.Ala403Val). The alanine residue is weakly conserved and there is a small physicochemical difference between alanine and valine. This variant is not present in population databases (ExAC no frequency). Algorithms developed to predict the effect of missense changes on protein structure and function output the following: SIFT: "Tolerated"; PolyPhen-2: "Benign"; Align-GVGD: "Class C0". The valine amino acid residue is found in multiple mammalian species, suggesting that this missense change does not adversely affect protein function. These predictions have not been confirmed by published functional studies and their clinical significance is uncertain. In summary, the available evidence is currently insufficient to determine the role of this variant in disease. Therefore, it has been classified as a Variant of Uncertain Significance.